The following is an entry in ClinVar:

NM_006516.4(SLC2A1):c.45C>T (p.Ala15=)

Gene: SLC2A1 (solute carrier family 2 member 1; minus strand). Cytogenetic location: 1p34.2.
Variant type: single nucleotide variant.
Coding change: c.45C>T on transcript NM_006516.4 (MANE Select); coding-DNA position 45, C replaced by T.
Protein change: p.Ala15=; no amino-acid change (alanine 15 retained).
Molecular consequence: synonymous variant.
Genome position (GRCh38, 1-based): chr1:42,943,295, G>A on the plus strand (C>T on the coding strand, the complement: SLC2A1 is on the minus strand). VCF-style: chr1-42943295-G-A. GRCh37 (hg19) VCF-style: chr1-43408966-G-A.
Other names: p.Ala15=; c.45C>T (NM_006516.3).
Identifiers: ClinVar variation 95413 (VCV000095413.42), dbSNP rs1385129, ClinGen allele CA019194.

ClinVar aggregate classification (germline): Benign/Likely benign. Review status: criteria provided, multiple submitters, no conflicts (2 of 4 stars). 21 submissions from 17 submitters: Benign (16); Likely benign (1). 4 of the submissions do not count toward it. Last evaluated 2026-02-04.

Conditions:
Encephalopathy due to GLUT1 deficiency. Also called: GLUCOSE TRANSPORT DEFECT, BLOOD-BRAIN BARRIER; Classic Glucose Transporter Type 1 Deficiency Syndrome; De Vivo disease; GLUT1 deficiency syndrome 1; Glucose transporter protein syndrome; GLUT1 deficiency syndrome 1, infantile onset, severe. Identifiers: Orphanet 71277, MedGen C4551966, MONDO:0011724, OMIM 606777.
Hereditary cryohydrocytosis with reduced stomatin. Also called: Stomatin-deficient cryohydrocytosis with neurologic defects; GLUT1 DEFICIENCY SYNDROME WITH PSEUDOHYPERKALEMIA AND HEMOLYSIS. Identifiers: Orphanet 168577, MedGen C1837206, MONDO:0012143, OMIM 608885.
Inborn genetic diseases. Identifiers: MedGen C0950123, MeSH D030342.
Dystonia 9 (DYT9). Also called: CHOREOATHETOSIS, KINESIGENIC, WITH EPISODIC ATAXIA AND SPASTICITY. Identifiers: Orphanet 53583, MedGen C1832855, MONDO:0010983, OMIM 601042.
Childhood onset GLUT1 deficiency syndrome 2. Also called: Exertion-induced paroxysmal dyskinesia; PED WITH OR WITHOUT EPILEPSY AND/OR HEMOLYTIC ANEMIA; PAROXYSMAL EXERCISE-INDUCED DYSKINESIA WITH OR WITHOUT EPILEPSY AND/OR HEMOLYTIC ANEMIA; PAROXYSMAL EXERTION-INDUCED DYSTONIA WITH OR WITHOUT EPILEPSY AND/OR HEMOLYTIC ANEMIA; Paroxysmal exercise-induced dystonia; GLUT1 deficiency syndrome 2. Identifiers: Orphanet 98811, MedGen C1842534, MONDO:0012805, OMIM 612126.
GLUT1 deficiency syndrome 1, autosomal recessive. Identifiers: MedGen C3149117.

Allele frequency attached by ClinVar (database versions not stated): ESP Exome Variant Server 0.20183; gnomAD 0.21537 and 0.21952; TOPMed 0.21829; 1000 Genomes Project 0.24042; 1000 Genomes Project 30x 0.24141; ExAC 0.24464.
gnomAD v4.1: 360,530 of 1,611,710 alleles (22%); highest among the groups gnomAD compares: Admixed American, 30%; 41,236 homozygotes.

Submissions (21):

Labcorp Genetics (formerly Invitae), Labcorp
Classification: Benign for GLUT1 deficiency syndrome 1, autosomal recessive. Last evaluated: 2026-02-04. Review status: criteria provided, single submitter. Criteria: Invitae Variant Classification Sherloc (09022015). Collection method: clinical testing. Allele origin: germline.

Blueprint Genetics
Classification: Likely benign. Last evaluated: 2024-11-26. Review status: criteria provided, single submitter. Criteria: ACMG Guidelines, 2015. Collection method: clinical testing. Allele origin: germline.

Unidad de Genómica Garrahan, Hospital de Pediatría Garrahan
Classification: Benign. Last evaluated: 2024-07-15. Review status: criteria provided, single submitter. Criteria: ACMG Guidelines, 2015. Collection method: clinical testing. Allele origin: germline. Affected: no. Observed: 50 variant alleles.
Comment: This variant is classified as Benign based on local population frequency. This variant was detected in 54% of patients studied in a panel designed for Epileptic and Developmental Encephalopathy and Progressive Myoclonus Epilepsy. Number of patients: 50. Only high quality variants are reported.

Mayo Clinic Laboratories, Mayo Clinic
Classification: Benign. Last evaluated: 2022-03-24. Review status: criteria provided, single submitter. Criteria: ACMG Guidelines, 2015. Collection method: clinical testing. Allele origin: germline. Observed: 1,465 variant alleles.

Genome-Nilou Lab
Classification: Benign for Dystonia 9. Last evaluated: 2021-07-15. Review status: criteria provided, single submitter. Criteria: ACMG Guidelines, 2015. Collection method: clinical testing. Allele origin: germline. Affected: no.

Genome-Nilou Lab
Classification: Benign for Encephalopathy due to GLUT1 deficiency. Last evaluated: 2021-07-15. Review status: criteria provided, single submitter. Criteria: ACMG Guidelines, 2015. Collection method: clinical testing. Allele origin: germline. Affected: no.

Genome-Nilou Lab
Classification: Benign for Childhood onset GLUT1 deficiency syndrome 2. Last evaluated: 2021-07-15. Review status: criteria provided, single submitter. Criteria: ACMG Guidelines, 2015. Collection method: clinical testing. Allele origin: germline. Affected: no.

Genome-Nilou Lab
Classification: Benign for Hereditary cryohydrocytosis with reduced stomatin. Last evaluated: 2021-07-15. Review status: criteria provided, single submitter. Criteria: ACMG Guidelines, 2015. Collection method: clinical testing. Allele origin: germline. Affected: no.

Illumina Laboratory Services, Illumina
Classification: Benign for Encephalopathy due to GLUT1 deficiency. Last evaluated: 2018-01-13. Review status: criteria provided, single submitter. Criteria: ICSL Variant Classification Criteria 13 December 2019. Collection method: clinical testing. Allele origin: germline.
Comment: This variant was observed in the ICSL laboratory as part of a predisposition screen in an ostensibly healthy population. It had not been previously curated by ICSL or reported in the Human Gene Mutation Database (HGMD: prior to June 1st, 2018), and was therefore a candidate for classification through an automated scoring system. Utilizing variant allele frequency, disease prevalence and penetrance estimates, and inheritance mode, an automated score was calculated to assess if this variant is too frequent to cause the disease. Based on the score and internal cut-off values, a variant classified as benign is not then subjected to further curation. The score for this variant resulted in a classification of benign for this disease.

Illumina Laboratory Services, Illumina
Classification: Benign for Dystonia 9. Last evaluated: 2018-01-13. Review status: criteria provided, single submitter. Criteria: ICSL Variant Classification Criteria 13 December 2019. Collection method: clinical testing. Allele origin: germline.
Comment: the same text as in the submission from Illumina Laboratory Services, Illumina above.

Athena Diagnostics
Classification: Benign for Encephalopathy due to GLUT1 deficiency. Last evaluated: 2017-04-14. Review status: criteria provided, single submitter. Criteria: Athena Diagnostics Criteria. Collection method: clinical testing. Allele origin: germline.

Eurofins Ntd Llc (ga)
Classification: Benign. Last evaluated: 2016-06-27. Review status: criteria provided, single submitter. Criteria: EGL Classification Definitions 2015. Collection method: clinical testing. Allele origin: germline. Observed: 34 variant alleles, 29 heterozygotes, 5 homozygotes.

Ambry Genetics
Classification: Benign for Inborn genetic diseases. Last evaluated: 2016-03-04. Review status: criteria provided, single submitter. Criteria: Ambry Variant Classification Scheme 2023. Collection method: clinical testing. Allele origin: germline.

GeneDx
Classification: Benign. Last evaluated: 2015-03-03. Review status: criteria provided, single submitter. Criteria: GeneDx Variant Classification Process June 2021. Collection method: clinical testing. Allele origin: germline. Affected: yes.

Genetic Services Laboratory, University of Chicago
Classification: Benign. Last evaluated: 2013-02-08. Review status: criteria provided, single submitter. Criteria: ACMG Guidelines, 2007. Collection method: clinical testing. Allele origin: germline. Inheritance: Autosomal dominant inheritance.

Breakthrough Genomics
Classification: Benign. Review status: criteria provided, single submitter. Criteria: ACMG Guidelines, 2015. Collection method: not provided. Allele origin: germline. Inheritance: Autosomal dominant inheritance. Affected: yes.

PreventionGenetics, part of Exact Sciences
Classification: Benign. Review status: criteria provided, single submitter. Criteria: ACMG Guidelines, 2015. Collection method: clinical testing. Allele origin: germline.

Clinical Genetics DNA and cytogenetics Diagnostics Lab, Erasmus MC, Erasmus Medical Center
Classification: Benign. Review status: no assertion criteria provided. Collection method: clinical testing. Allele origin: germline. Affected: yes. Study: VKGL Data-share Consensus. Not counted in ClinVar's aggregate classification.

Clinical Genetics, Academic Medical Center
Classification: Benign. Review status: no assertion criteria provided. Collection method: clinical testing. Allele origin: germline. Affected: yes. Study: VKGL Data-share Consensus. Not counted in ClinVar's aggregate classification.

Diagnostic Laboratory, Department of Genetics, University Medical Center Groningen
Classification: Benign. Review status: no assertion criteria provided. Collection method: clinical testing. Allele origin: germline. Affected: yes. Study: VKGL Data-share Consensus. Not counted in ClinVar's aggregate classification.

Joint Genome Diagnostic Labs from Nijmegen and Maastricht, Radboudumc and MUMC+
Classification: Benign. Review status: no assertion criteria provided. Collection method: clinical testing. Allele origin: germline. Affected: yes. Study: VKGL Data-share Consensus. Not counted in ClinVar's aggregate classification.